The following is an entry in ClinVar:

ClinVar aggregate classification (germline): Likely benign. Review status: criteria provided, multiple submitters, no conflicts (2 of 4 stars). 4 submissions from 4 submitters: Likely benign (4). Last evaluated 2024-01-03.

Conditions:
Hypertrophic cardiomyopathy 2. Also called: TNNT2-Related Familial Hypertrophic Cardiomyopathy. Identifiers: MedGen C1861864, MONDO:0007266, OMIM 115195.
Dilated cardiomyopathy 1D. Identifiers: Orphanet 154, Orphanet 54260, MedGen C1832243, MONDO:0011095, OMIM 601494.
Cardiomyopathy, familial restrictive, 3. Identifiers: Orphanet 75249, MedGen C2676271, MONDO:0012900, OMIM 612422.
Cardiomyopathy (CMYO). Also called: Cardiomyopathies. Identifiers: Orphanet 167848, MedGen C0878544, MONDO:0004994, HP:0001638. Inheritance: Various modes of inheritance.

Allele frequency attached by ClinVar (database versions not stated): gnomAD below 0.00001 and 0.00001; TOPMed below 0.00001; gnomAD exomes 0.00001 and 0.00002; ExAC 0.00002.

Submissions (4):

Color Diagnostics, LLC DBA Color Health
Classification: Likely benign for Cardiomyopathy. Last evaluated: 2024-01-03. Review status: criteria provided, single submitter. Criteria: ACMG Guidelines, 2015. Collection method: clinical testing. Allele origin: germline.

Labcorp Genetics (formerly Invitae), Labcorp
Classification: Likely benign for Cardiomyopathy, familial restrictive, 3; Hypertrophic cardiomyopathy 2; Dilated cardiomyopathy 1D. Last evaluated: 2023-11-21. Review status: criteria provided, single submitter. Criteria: Invitae Variant Classification Sherloc (09022015). Collection method: clinical testing. Allele origin: germline.

Blueprint Genetics
Classification: Likely benign. Last evaluated: 2022-02-21. Review status: criteria provided, single submitter. Criteria: ACMG Guidelines, 2015. Collection method: clinical testing. Allele origin: germline.

GeneDx
Classification: Likely benign. Last evaluated: 2017-03-14. Review status: criteria provided, single submitter. Criteria: GeneDx Variant Classification (06012015). Collection method: clinical testing. Allele origin: germline. Affected: yes.
Comment: This variant is considered likely benign or benign based on one or more of the following criteria: it is a conservative change, it occurs at a poorly conserved position in the protein, it is predicted to be benign by multiple in silico algorithms, and/or has population frequency not consistent with disease.

NM_001276345.2(TNNT2):c.412-4T>G

Gene: TNNT2 (troponin T2, cardiac type; minus strand). Cytogenetic location: 1q32.1.
Variant type: single nucleotide variant.
Coding change: c.412-4T>G on transcript NM_001276345.2 (MANE Select); 4 bases into the intron before coding-DNA position 412, T replaced by G.
Molecular consequence: intron variant.
Genome position (GRCh38, 1-based): chr1:201,364,379, A>C on the plus strand (T>G on the coding strand, the complement: TNNT2 is on the minus strand). VCF-style: chr1-201364379-A-C. GRCh37 (hg19) VCF-style: chr1-201333507-A-C.
Other names: c.367-4T>G (NM_001001432.3); c.382-4T>G (NM_001001431.3, NM_001001430.3, NM_001276347.2); c.292-4T>G (NM_001276346.2); c.412-4T>G (NM_000364.4).
Identifiers: ClinVar variation 517794 (VCV000517794.8), dbSNP rs757304775, ClinGen allele CA088998.